The following is an entry in ClinVar:

NM_001267550.2(TTN):c.53535del (p.Cys17845fs)

Genes: TTN (titin; minus strand), TTN-AS1 (TTN antisense RNA 1; plus strand). Cytogenetic location: 2q31.2.
Variant type: Deletion.
Coding change: c.53535del on transcript NM_001267550.2 (MANE Select); coding-DNA position 53535, one base deleted (T; older notation c.53535delT).
Protein change: p.Cys17845fs; shifts the reading frame from cysteine 17845.
Molecular consequence: frameshift variant.
Genome position (GRCh38, 1-based): chr2:178,607,067, A deleted on the plus strand (T on the coding strand, the reverse complement: TTN is on the minus strand). VCF-style (leftmost placement, unchanged base first): chr2-178607066-CA-C. GRCh37 (hg19) VCF-style: chr2-179471793-CA-C.
Other names: c.48612del, p.Cys16204fs (NM_001256850.1); c.26340del, p.Cys8780fs (NM_003319.4); c.45831del, p.Cys15277fs (NM_133378.4); c.26715del, p.Cys8905fs (NM_133432.3); c.26916del, p.Cys8972fs (NM_133437.4); c.26340delT (NM_003319.4); short protein forms C17845fs, C16204fs, C8780fs, C8905fs, C15277fs, C8972fs.
Identifiers: ClinVar variation 1794091 (VCV001794091.2), dbSNP rs2470272884, ClinGen allele CA2580064926.
Genomic context (GRCh38, chr2:178,607,066, plus strand): 5'-AACCTTCTCTTTTACCTAGTGGATCAACTGCAAGAATTGGTCCTATTTCAACAGGAGGGC[CA>C]CAGCCAAACTTGTTCTTGGCAATAACACGGAACTTATATTCTTGTCCCTCAAGCAGACCT-3'

ClinVar aggregate classification (germline): Likely pathogenic (1 of 4 stars; one submission).

Conditions:
Cardiovascular phenotype. Identifiers: MedGen CN230736.

Submission:

Ambry Genetics
Classification: Likely pathogenic for Cardiovascular phenotype. Last evaluated: 2021-07-23. Review status: criteria provided, single submitter. Criteria: Ambry Variant Classification Scheme 2023. Collection method: clinical testing. Allele origin: germline.
Comment: The c.26340delT variant, located in coding exon 105 of the TTN gene, results from a deletion of one nucleotide at nucleotide position 26340, causing a translational frameshift with a predicted alternate stop codon (p.C8780Wfs*7). This exon is located in the A-band region of the N2-B isoform of the titin protein and is constitutively expressed in TTN transcripts (percent spliced in or PSI 100%). This alteration is expected to result in loss of function by premature protein truncation or nonsense-mediated mRNA decay. While truncating variants in TTN are present in 1-3% of the general population, truncating variants in the A-band are the most common cause of dilated cardiomyopathy (DCM) (Herman DS et al. N. Engl. J. Med., 2012 Feb;366:619-28; Roberts AM et al. Sci Transl Med, 2015 Jan;7:270ra6). TTN truncating variants encoded in constitutive exons (PSI >90%) have been found to be significantly associated with DCM regardless of their position in titin (Schafer S et al. Nat. Genet., 2017 01;49:46-53). As such, this alteration is classified as likely pathogenic.